The following is an entry in ClinVar:

NM_000038.6(APC):c.932A>G (p.Lys311Arg)

Gene: APC (APC regulator of Wnt signaling pathway; plus strand). Cytogenetic location: 5q22.2.
Variant type: single nucleotide variant.
Coding change: c.932A>G on transcript NM_000038.6 (MANE Select); coding-DNA position 932, A replaced by G.
Protein change: p.Lys311Arg; replaces lysine 311 with arginine.
Molecular consequence: missense variant.
Genome position (GRCh38, 1-based): chr5:112,815,592, A>G. VCF-style: chr5-112815592-A-G. GRCh37 (hg19) VCF-style: chr5-112151289-A-G.
Other names: c.932A>G, p.Lys311Arg (NM_001127510.3, NM_001354895.2, NM_001354896.2 and 1 more transcripts); c.878A>G, p.Lys293Arg (NM_001127511.3); c.962A>G, p.Lys321Arg (NM_001354897.2, NM_001354902.2); c.857A>G, p.Lys286Arg (NM_001354898.2, NM_001354904.2); c.848A>G, p.Lys283Arg (NM_001354899.2); c.755A>G, p.Lys252Arg (NM_001354900.2, NM_001354901.2, NM_001354905.2); c.83A>G, p.Lys28Arg (NM_001354906.2); short protein forms K28R, K283R, K293R, K321R, K252R, K286R, K311R.
Identifiers: ClinVar variation 934538 (VCV000934538.12), dbSNP rs1762431579, ClinGen allele CA16023347.

ClinVar aggregate classification (germline): Uncertain significance. Review status: criteria provided, multiple submitters, no conflicts (2 of 4 stars). 2 submissions from 2 submitters: Uncertain significance (2). Last evaluated 2025-01-28.

Conditions:
Hereditary cancer-predisposing syndrome. Also called: Neoplastic Syndromes, Hereditary; Hereditary Cancer Syndrome; Hereditary neoplastic syndrome; Tumor predisposition. Identifiers: Orphanet 140162, MedGen C0027672, MeSH D009386, MONDO:0015356.
Familial adenomatous polyposis 1 (FAP1). Also called: POLYPOSIS, ADENOMATOUS INTESTINAL; FAMILIAL ADENOMATOUS POLYPOSIS 1, ATTENUATED. Identifiers: MedGen C2713442, MONDO:0021056, OMIM 175100. Disease mechanism: loss of function.

Submissions (2):

Ambry Genetics
Classification: Uncertain significance for Hereditary cancer-predisposing syndrome. Last evaluated: 2025-01-28. Review status: criteria provided, single submitter. Criteria: Ambry Variant Classification Scheme 2023. Collection method: clinical testing. Allele origin: germline.
Comment: The p.K311R variant (also known as c.932A>G), located in coding exon 8 of the APC gene, results from an A to G substitution at nucleotide position 932. The lysine at codon 311 is replaced by arginine, an amino acid with highly similar properties. This variant was identified in 2/341 Mexican women who identify as Ashkenazi Jewish (D&iacute;az-Vel&aacute;squez CE et al. Front Genet, 2023 Feb;14:1094260). This nucleotide position is highly conserved in available vertebrate species. This amino acid position is highly conserved in available vertebrate species. In silico splice site analysis predicts that this alteration will weaken the native splice donor site. RNA studies have demonstrated that this alteration results in an incomplete splice defect; the clinical impact of this abnormal splicing is unknown at this time (Ambry internal data). In addition, in silico predictors for missense alterations in this gene do not accurately predict pathogenicity. Based on the available evidence, the clinical significance of this variant remains unclear.

Labcorp Genetics (formerly Invitae), Labcorp
Classification: Uncertain significance for Familial adenomatous polyposis 1. Last evaluated: 2020-12-10. Review status: criteria provided, single submitter. Criteria: Invitae Variant Classification Sherloc (09022015). Collection method: clinical testing. Allele origin: germline.
Comment: In summary, the available evidence is currently insufficient to determine the role of this variant in disease. Therefore, it has been classified as a Variant of Uncertain Significance. Algorithms developed to predict the effect of sequence changes on RNA splicing suggest that this variant may disrupt the consensus splice site, but this prediction has not been confirmed by published transcriptional studies. Algorithms developed to predict the effect of missense changes on protein structure and function (SIFT, PolyPhen-2, Align-GVGD) all suggest that this variant is likely to be disruptive, but these predictions have not been confirmed by published functional studies and their clinical significance is uncertain. This variant has not been reported in the literature in individuals with APC-related conditions. This variant is not present in population databases (ExAC no frequency). This sequence change replaces lysine with arginine at codon 311 of the APC protein (p.Lys311Arg). The lysine residue is highly conserved and there is a small physicochemical difference between lysine and arginine.

Literature cited by the submitters: PubMed 36845387 (cited by Ambry Genetics).